The following is an entry in ClinVar:

ClinVar aggregate classification (germline): Uncertain significance (1 of 4 stars; one submission).

Conditions:
Familial adenomatous polyposis 1 (FAP1). Also called: FAMILIAL ADENOMATOUS POLYPOSIS 1, ATTENUATED; POLYPOSIS, ADENOMATOUS INTESTINAL. Identifiers: MedGen C2713442, MONDO:0021056, OMIM 175100. Disease mechanism: loss of function.

Submission:

Labcorp Genetics (formerly Invitae), Labcorp
Classification: Uncertain significance for Familial adenomatous polyposis 1. Last evaluated: 2023-09-14. Review status: criteria provided, single submitter. Criteria: Invitae Variant Classification Sherloc (09022015). Collection method: clinical testing. Allele origin: germline.
Comment: This variant occurs in a non-coding region of the APC gene. It does not change the encoded amino acid sequence of the APC protein. This variant is not present in population databases (gnomAD no frequency). This variant has not been reported in the literature in individuals affected with APC-related conditions. Experimental studies and prediction algorithms are not available or were not evaluated, and the functional significance of this variant is currently unknown. In summary, the available evidence is currently insufficient to determine the role of this variant in disease. Therefore, it has been classified as a Variant of Uncertain Significance.

NC_000005.10:g.112707355A>G

Gene: APC (APC regulator of Wnt signaling pathway; plus strand). Cytogenetic location: 5q22.2.
Variant type: single nucleotide variant.
Genome position: GRCh38 VCF-style: chr5-112707355-A-G. GRCh37 (hg19) VCF-style: chr5-112043052-A-G.
Identifiers: ClinVar variation 1025852 (VCV001025852.10), dbSNP rs1750551409, ClinGen allele CA1573442193.